The following is an entry in ClinVar:

NM_001458.5(FLNC):c.698A>T (p.Gln233Leu)

Gene: FLNC (filamin C; plus strand). Cytogenetic location: 7q32.1.
Variant type: single nucleotide variant.
Coding change: c.698A>T on transcript NM_001458.5 (MANE Select); coding-DNA position 698, A replaced by T.
Protein change: p.Gln233Leu; replaces glutamine 233 with leucine.
Molecular consequence: missense variant.
Genome position (GRCh38, 1-based): chr7:128,837,256, A>T. VCF-style: chr7-128837256-A-T. GRCh37 (hg19) VCF-style: chr7-128477310-A-T.
Other names: c.698A>T, p.Gln233Leu (NM_001127487.2); short protein forms Q233L.
Identifiers: ClinVar variation 4824283 (VCV004824283.1).

ClinVar aggregate classification (germline): Uncertain significance (1 of 4 stars; one submission).

Conditions:
Cardiovascular phenotype. Identifiers: MedGen CN230736.

Submission:

Ambry Genetics
Classification: Uncertain significance for Cardiovascular phenotype. Last evaluated: 2026-02-19. Review status: criteria provided, single submitter. Criteria: Ambry Variant Classification Scheme 2023. Collection method: clinical testing. Allele origin: germline.
Comment: The p.Q233L variant (also known as c.698A>T), located in coding exon 3 of the FLNC gene, results from an A to T substitution at nucleotide position 698. The glutamine at codon 233 is replaced by leucine, an amino acid with dissimilar properties. This amino acid position is conserved. In addition, the in silico prediction for this alteration is inconclusive. Based on the available evidence, the clinical significance of this variant remains unclear.